The following is an entry in ClinVar:

ClinVar aggregate classification (germline): Uncertain significance (1 of 4 stars; one submission).

Allele frequency attached by ClinVar (database versions not stated): gnomAD exomes below 0.00001.
gnomAD v4.1: 5 of 1,613,254 alleles (0.00031%); highest among the groups gnomAD compares: Non-Finnish European, 0.00034%; no homozygotes.

Submission:

Labcorp Genetics (formerly Invitae), Labcorp
Classification: Uncertain significance. Last evaluated: 2024-01-04. Review status: criteria provided, single submitter. Criteria: Invitae Variant Classification Sherloc (09022015). Collection method: clinical testing. Allele origin: germline.
Comment: This sequence change replaces arginine, which is basic and polar, with tryptophan, which is neutral and slightly polar, at codon 649 of the ADCY5 protein (p.Arg649Trp). This variant is present in population databases (no rsID available, gnomAD 0.0009%). This variant has not been reported in the literature in individuals affected with ADCY5-related conditions. An algorithm developed to predict the effect of missense changes on protein structure and function (PolyPhen-2) suggests that this variant is likely to be disruptive. Algorithms developed to predict the effect of sequence changes on RNA splicing suggest that this variant may disrupt the consensus splice site. In summary, the available evidence is currently insufficient to determine the role of this variant in disease. Therefore, it has been classified as a Variant of Uncertain Significance.

NM_183357.3(ADCY5):c.1945C>T (p.Arg649Trp)

Gene: ADCY5 (adenylate cyclase 5; minus strand). Cytogenetic location: 3q21.1.
Variant type: single nucleotide variant.
Coding change: c.1945C>T on transcript NM_183357.3 (MANE Select); coding-DNA position 1945, C replaced by T.
Protein change: p.Arg649Trp; replaces arginine 649 with tryptophan.
Molecular consequence: missense variant.
Genome position (GRCh38, 1-based): chr3:123,327,620, G>A on the plus strand (C>T on the coding strand, the complement: ADCY5 is on the minus strand). VCF-style: chr3-123327620-G-A. GRCh37 (hg19) VCF-style: chr3-123046467-G-A.
Other names: c.895C>T, p.Arg299Trp (NM_001199642.1); c.1945C>T, p.Arg649Trp (NM_001378259.1); short protein forms R649W, R299W.
Identifiers: ClinVar variation 3008786 (VCV003008786.3), dbSNP rs1412508852, ClinGen allele CA354219069.